The following is an entry in ClinVar:

ClinVar aggregate classification (germline): Uncertain significance (1 of 4 stars; one submission).

Conditions:
Neurofibromatosis, type 1 (NF1). Also called: VON RECKLINGHAUSEN DISEASE; Peripheral type neurofibromatosis; NEUROFIBROMATOSIS, TYPE I, SOMATIC; Neurofibromatosis, type I. Identifiers: Orphanet 636, MedGen C0027831, MONDO:0018975, OMIM 162200. Disease mechanism: loss of function.

Submission:

Labcorp Genetics (formerly Invitae), Labcorp
Classification: Uncertain significance for Neurofibromatosis, type 1. Last evaluated: 2025-03-05. Review status: criteria provided, single submitter. Criteria: Invitae Variant Classification Sherloc (09022015). Collection method: clinical testing. Allele origin: germline.
Comment: This sequence change falls in intron 7 of the NF1 gene. It does not directly change the encoded amino acid sequence of the NF1 protein. It affects a nucleotide within the consensus splice site. This variant is not present in population databases (gnomAD no frequency). This variant has not been reported in the literature in individuals affected with NF1-related conditions. Variants that disrupt the consensus splice site are a relatively common cause of aberrant splicing (PMID: 17576681, 9536098). Algorithms developed to predict the effect of sequence changes on RNA splicing suggest that this variant is not likely to affect RNA splicing. In summary, the available evidence is currently insufficient to determine the role of this variant in disease. Therefore, it has been classified as a Variant of Uncertain Significance.

Literature cited by the submitters: PubMed 17576681; PubMed 9536098.

NM_001042492.3(NF1):c.730+6G>A

Gene: NF1 (neurofibromin 1; plus strand). Cytogenetic location: 17q11.2.
Variant type: single nucleotide variant.
Coding change: c.730+6G>A on transcript NM_001042492.3 (MANE Select); 6 bases into the intron after coding-DNA position 730, G replaced by A.
Molecular consequence: intron variant.
Genome position (GRCh38, 1-based): chr17:31,181,791, G>A. VCF-style: chr17-31181791-G-A. GRCh37 (hg19) VCF-style: chr17-29508809-G-A.
Other names: c.730+6G>A (NM_000267.4, NM_001128147.3).
Identifiers: ClinVar variation 4714468 (VCV004714468.1).